The following is an entry in ClinVar:

ClinVar aggregate classification (germline): Uncertain significance (1 of 4 stars; one submission).

Conditions:
Hereditary cancer-predisposing syndrome. Also called: Neoplastic Syndromes, Hereditary; Hereditary Cancer Syndrome; Hereditary neoplastic syndrome; Tumor predisposition. Identifiers: Orphanet 140162, MedGen C0027672, MeSH D009386, MONDO:0015356.

Allele frequency attached by ClinVar (database versions not stated): gnomAD 0.00003; TOPMed 0.00003.

Submission:

Ambry Genetics
Classification: Uncertain significance for Hereditary cancer-predisposing syndrome. Last evaluated: 2025-06-22. Review status: criteria provided, single submitter. Criteria: Ambry Variant Classification Scheme 2023. Collection method: clinical testing. Allele origin: germline.
Comment: The p.G113C variant (also known as c.337G>T), located in coding exon 1 of the ALK gene, results from a G to T substitution at nucleotide position 337. The glycine at codon 113 is replaced by cysteine, an amino acid with highly dissimilar properties. This amino acid position is conserved. In addition, this alteration is predicted to be tolerated by in silico analysis. Since supporting evidence is limited at this time, the clinical significance of this alteration remains unclear.

NM_004304.5(ALK):c.337G>T (p.Gly113Cys)

Gene: ALK (ALK receptor tyrosine kinase; minus strand). Cytogenetic location: 2p23.1.
Variant type: single nucleotide variant.
Coding change: c.337G>T on transcript NM_004304.5 (MANE Select); coding-DNA position 337, G replaced by T.
Protein change: p.Gly113Cys; replaces glycine 113 with cysteine.
Molecular consequence: missense variant.
Genome position (GRCh38, 1-based): chr2:29,920,323, C>A on the plus strand (G>T on the coding strand, the complement: ALK is on the minus strand). VCF-style: chr2-29920323-C-A. GRCh37 (hg19) VCF-style: chr2-30143189-C-A.
Other names: short protein forms G113C.
Identifiers: ClinVar variation 2561056 (VCV002561056.3), dbSNP rs748952373, ClinGen allele CA1594998.